The following is an entry in ClinVar:

NM_172166.4(MSH5):c.306G>A (p.Thr102=)

Genes: MSH5 (mutS homolog 5; plus strand), MSH5-SAPCD1 (MSH5-SAPCD1 readthrough (NMD candidate); plus strand). Cytogenetic location: 6p21.33.
Variant type: single nucleotide variant.
Coding change: c.306G>A on transcript NM_172166.4 (MANE Select); coding-DNA position 306, G replaced by A.
Protein change: p.Thr102=; no amino-acid change (threonine 102 retained).
Molecular consequence: synonymous variant. On other transcripts: non-coding transcript variant (1).
Genome position (GRCh38, 1-based): chr6:31,742,911, G>A. VCF-style: chr6-31742911-G-A. GRCh37 (hg19) VCF-style: chr6-31710688-G-A.
Other names: c.306G>A, p.Thr102= (NM_002441.5, NM_025259.6, NM_172165.4).
Identifiers: ClinVar variation 718250 (VCV000718250.6), dbSNP rs112145890, ClinGen allele CA3720932.

ClinVar aggregate classification (germline): Benign/Likely benign. Review status: criteria provided, multiple submitters, no conflicts (2 of 4 stars). 3 submissions from 3 submitters: Benign (1); Likely benign (1). 1 of the submissions does not count toward it. Last evaluated 2024-11-26.

Conditions:
MSH5-related disorder. Also called: MSH5-related condition.

Allele frequency attached by ClinVar (database versions not stated): ExAC 0.00073; 1000 Genomes Project 30x 0.00078; 1000 Genomes Project 0.00080; gnomAD exomes 0.00084; gnomAD 0.00162 and 0.00166; TOPMed 0.00182; ESP Exome Variant Server 0.00202.
gnomAD v4.1: 1,209 of 1,612,998 alleles (0.075%); highest among the groups gnomAD compares: African/African-American, 0.45%; 9 homozygotes.

Submissions (3):

Blueprint Genetics
Classification: Likely benign. Last evaluated: 2024-11-26. Review status: criteria provided, single submitter. Criteria: ACMG Guidelines, 2015. Collection method: clinical testing. Allele origin: germline.

Labcorp Genetics (formerly Invitae), Labcorp
Classification: Benign. Last evaluated: 2018-06-18. Review status: criteria provided, single submitter. Criteria: Invitae Variant Classification Sherloc (09022015). Collection method: clinical testing. Allele origin: germline.

PreventionGenetics, part of Exact Sciences
Classification: Likely benign for MSH5-related condition. Last evaluated: 2019-09-24. Review status: no assertion criteria provided. Collection method: clinical testing. Allele origin: germline. Not counted in ClinVar's aggregate classification.
Comment: This variant is classified as likely benign based on ACMG/AMP sequence variant interpretation guidelines (Richards et al. 2015 PMID: 25741868, with internal and published modifications).